The following is an entry in ClinVar:

NM_007294.4(BRCA1):c.3531_3533delinsAA (p.Phe1177fs)

Genes: BRCA1 (BRCA1 DNA repair associated; minus strand), LOC126862571 (BRD4-independent group 4 enhancer GRCh37_chr17:41243136-41244335; plus strand). Cytogenetic location: 17q21.31.
Variant type: Indel.
Coding change: c.3531_3533delinsAA on transcript NM_007294.4 (MANE Select); coding-DNA positions 3531 to 3533, TAG replaced by AA.
Protein change: p.Phe1177fs; shifts the reading frame from phenylalanine 1177.
Molecular consequence: frameshift variant. On other transcripts: intron variant (135).
Genome position (GRCh38, 1-based): chr17:43,091,998-43,092,000, CTA replaced by TT on the plus strand (TAG replaced by AA on the coding strand, the reverse complement: BRCA1 is on the minus strand). VCF-style: chr17-43091998-CTA-TT. GRCh37 (hg19) VCF-style: chr17-41244015-CTA-TT.
Other names: c.3150_3152delinsAA, p.Phe1050fs (NM_001407959.1, NM_001407960.1, NM_001407963.1); c.3147_3149delinsAA, p.Phe1049fs (NM_001407962.1); c.3195_3197delinsAA, p.Phe1065fs (NM_001407954.1, NM_001407955.1, NM_001407956.1 and 1 more transcripts); c.3390_3392delinsAA, p.Phe1130fs (NM_001407945.1, NM_001407692.1, NM_001407694.1 and 29 more transcripts); c.3198_3200delinsAA, p.Phe1066fs (NM_001407946.1, NM_001407947.1, NM_001407948.1 and 6 more transcripts); c.3318_3320delinsAA, p.Phe1106fs (NM_001407571.1, NM_001407853.1, NM_001407894.1 and 9 more transcripts); c.3531_3533delinsAA, p.Phe1177fs (NM_001407581.1, NM_001407582.1, NM_001407583.1 and 30 more transcripts); c.3528_3530delinsAA, p.Phe1176fs (NM_001407587.1, NM_001407590.1, NM_001407591.1 and 22 more transcripts); and 42 more; short protein forms F1130fs, F1177fs, F1135fs, F1151fs, F1066fs, F1150fs, F1174fs, F1009fs.
Identifiers: ClinVar variation 967660 (VCV000967660.15), dbSNP rs2053570708, ClinGen allele CA1139665616.

ClinVar aggregate classification (germline): Pathogenic (1 of 4 stars; one submission).

Conditions:
Hereditary breast ovarian cancer syndrome. Also called: Hereditary breast and ovarian cancer; Hereditary breast and/or ovarian cancer syndrome; Hereditary breast and ovarian cancer syndrome; Hereditary breast and ovarian cancer syndrome (HBOC); Breast and ovarian cancer; BRCA1- and BRCA2-Associated Hereditary Breast and Ovarian Cancer. Identifiers: Orphanet 145, MedGen C0677776, MeSH D061325, MONDO:0003582. Disease mechanism: loss of function.

Submission:

Labcorp Genetics (formerly Invitae), Labcorp
Classification: Pathogenic for Hereditary breast ovarian cancer syndrome. Last evaluated: 2020-05-03. Review status: criteria provided, single submitter. Criteria: Invitae Variant Classification Sherloc (09022015). Collection method: clinical testing. Allele origin: germline.
Comment: This sequence change creates a premature translational stop signal (p.Phe1177Leufs*33) in the BRCA1 gene. It is expected to result in an absent or disrupted protein product. This variant is not present in population databases (ExAC no frequency). A different variant (c.3531del) giving rise to the same protein effect (p.Phe1177Leufs*33) has been observed in individuals with breast cancer and ovarian cancer (PMID: 24797986, 26843898, 26681312, 30702160). Loss-of-function variants in BRCA1 are known to be pathogenic (PMID: 20104584). For these reasons, this variant has been classified as Pathogenic.

Literature cited by the submitters: PubMed 24797986; PubMed 26843898; PubMed 26681312; PubMed 30702160; PubMed 20104584.